The following is an entry in ClinVar:

NM_001010867.4(IBA57):c.313C>T (p.Arg105Trp)

Gene: IBA57 (iron-sulfur cluster assembly factor IBA57; plus strand). Cytogenetic location: 1q42.13.
Variant type: single nucleotide variant.
Coding change: c.313C>T on transcript NM_001010867.4 (MANE Select); coding-DNA position 313, C replaced by T.
Protein change: p.Arg105Trp; replaces arginine 105 with tryptophan.
Molecular consequence: missense variant.
Genome position (GRCh38, 1-based): chr1:228,166,129, C>T. VCF-style: chr1-228166129-C-T. GRCh37 (hg19) VCF-style: chr1-228353830-C-T.
Other names: c.313C>T (NM_001010867.2); short protein forms R105W.
Identifiers: ClinVar variation 522951 (VCV000522951.8), dbSNP rs1298056442, ClinGen allele CA345106709.

ClinVar aggregate classification (germline): Likely pathogenic. Review status: criteria provided, multiple submitters, no conflicts (2 of 4 stars). 3 submissions from 3 submitters: Likely pathogenic (3). Last evaluated 2025-09-08.

Conditions:
Multiple mitochondrial dysfunctions syndrome 3 (MMDS3). Identifiers: Orphanet 363424, MedGen C3809165, MONDO:0014132, OMIM 615330.
Hereditary spastic paraplegia 74. Also called: Spastic paraplegia 74, autosomal recessive. Identifiers: Orphanet 468661, MedGen C5568837, MONDO:0014644, OMIM 616451.

Allele frequency attached by ClinVar (database versions not stated): TOPMed below 0.00001; gnomAD 0.00001.
gnomAD v4.1: 6 of 1,532,932 alleles (0.00039%); highest among the groups gnomAD compares: African/African-American, 0.0042%; no homozygotes.

Submissions (3):

Labcorp Genetics (formerly Invitae), Labcorp
Classification: Likely pathogenic for Multiple mitochondrial dysfunctions syndrome 3; Hereditary spastic paraplegia 74. Last evaluated: 2025-09-08. Review status: criteria provided, single submitter. Criteria: Invitae Variant Classification Sherloc (09022015). Collection method: clinical testing. Allele origin: germline.
Comment: This sequence change replaces arginine, which is basic and polar, with tryptophan, which is neutral and slightly polar, at codon 105 of the IBA57 protein (p.Arg105Trp). This variant is not present in population databases (gnomAD no frequency). This missense change has been observed in individual(s) with multiple mitochondrial dysfunctions syndrome (PMID: 27785568, 38129218). In at least one individual the data is consistent with being in trans (on the opposite chromosome) from a pathogenic variant. ClinVar contains an entry for this variant (Variation ID: 522951). Invitae Evidence Modeling of protein sequence and biophysical properties (such as structural, functional, and spatial information, amino acid conservation, physicochemical variation, residue mobility, and thermodynamic stability) indicates that this missense variant is expected to disrupt IBA57 protein function with a positive predictive value of 80%. In summary, the currently available evidence indicates that the variant is pathogenic, but additional data are needed to prove that conclusively. Therefore, this variant has been classified as Likely Pathogenic.

GeneDx
Classification: Likely pathogenic. Last evaluated: 2024-03-20. Review status: criteria provided, single submitter. Criteria: GeneDx Variant Classification Process June 2021. Collection method: clinical testing. Allele origin: germline. Affected: yes.
Comment: Not observed at significant frequency in large population cohorts (gnomAD); In silico analysis supports that this missense variant has a deleterious effect on protein structure/function; This variant is associated with the following publications: (PMID: 31831856, 27785568, 34440194, 36207321, 38129218, 36360281, 35883565)

Genomic Research Center, Shahid Beheshti University of Medical Sciences
Classification: Likely pathogenic for Multiple mitochondrial dysfunctions syndrome 3. Last evaluated: 2020-05-03. Review status: criteria provided, single submitter. Criteria: ACMG Guidelines, 2015. Collection method: clinical testing. Allele origin: unknown.

Literature cited by the submitters: PubMed 27785568 (cited by Labcorp Genetics (formerly Invitae), Labcorp); PubMed 38129218 (cited by Labcorp Genetics (formerly Invitae), Labcorp).